The following is an entry in ClinVar:

ClinVar aggregate classification (germline): Uncertain significance (1 of 4 stars; one submission).

gnomAD v4.1: 2 of 1,580,506 alleles (0.00013%); highest among the groups gnomAD compares: East Asian, 0.0023%; no homozygotes.

Submission:

Ambry Genetics
Classification: Uncertain significance. Last evaluated: 2025-02-04. Review status: criteria provided, single submitter. Criteria: Ambry Variant Classification Scheme 2023. Collection method: clinical testing. Allele origin: germline.
Comment: The p.Q555K variant (also known as c.1663C>A), located in coding exon 7 of the WNK2 gene, results from a C to A substitution at nucleotide position 1663. The glutamine at codon 555 is replaced by lysine, an amino acid with similar properties. This amino acid position is conserved. In addition, this alteration is predicted to be tolerated by in silico analysis. Based on the available evidence, the clinical significance of this variant remains unclear.

NM_006648.4(WNK2):c.1663C>A (p.Gln555Lys)

Gene: WNK2 (WNK lysine deficient protein kinase 2; plus strand). Cytogenetic location: 9q22.31.
Variant type: single nucleotide variant.
Coding change: c.1663C>A on transcript NM_006648.4 (MANE Select); coding-DNA position 1663, C replaced by A.
Protein change: p.Gln555Lys; replaces glutamine 555 with lysine.
Molecular consequence: missense variant.
Genome position (GRCh38, 1-based): chr9:93,247,663, C>A. VCF-style: chr9-93247663-C-A. GRCh37 (hg19) VCF-style: chr9-96009945-C-A.
Other names: c.1663C>A, p.Gln555Lys (NM_001282394.3); short protein forms Q555K.
Identifiers: ClinVar variation 3817001 (VCV003817001.1).